The following is an entry in ClinVar:

NM_001365951.3(KIF1B):c.532G>A (p.Val178Met)

Gene: KIF1B (kinesin family member 1B; plus strand). Cytogenetic location: 1p36.22.
Variant type: single nucleotide variant.
Coding change: c.532G>A on transcript NM_001365951.3 (MANE Select); coding-DNA position 532, G replaced by A.
Protein change: p.Val178Met; replaces valine 178 with methionine.
Molecular consequence: missense variant.
Genome position (GRCh38, 1-based): chr1:10,267,482, G>A. VCF-style: chr1-10267482-G-A. GRCh37 (hg19) VCF-style: chr1-10327540-G-A.
Other names: c.532G>A, p.Val178Met (NM_001365952.1, NM_001365953.1, NM_015074.3 and 1 more transcripts); short protein forms V178M.
Identifiers: ClinVar variation 4844675 (VCV004844675.1).

ClinVar aggregate classification (germline): Uncertain significance (1 of 4 stars; one submission).

gnomAD v4.1: 1 of 1,614,208 alleles (0.000062%); highest among the groups gnomAD compares: Non-Finnish European, 0.000085%; no homozygotes.

Submission:

Ambry Genetics
Classification: Uncertain significance. Last evaluated: 2026-02-09. Review status: criteria provided, single submitter. Criteria: Ambry Variant Classification Scheme 2023. Collection method: clinical testing. Allele origin: germline.
Comment: The p.V178M variant (also known as c.532G>A), located in coding exon 5 of the KIF1B gene, results from a G to A substitution at nucleotide position 532. The valine at codon 178 is replaced by methionine, an amino acid with highly similar properties. This amino acid position is highly conserved in available vertebrate species. In addition, this alteration is predicted to be deleterious by in silico analysis. The evidence for this gene-disease relationship is limited; therefore, the clinical significance of this variant is unclear.